The following is an entry in ClinVar:

NM_000059.4(BRCA2):c.7531T>A (p.Tyr2511Asn)

Gene: BRCA2 (BRCA2 DNA repair associated; plus strand). Cytogenetic location: 13q13.1.
Variant type: single nucleotide variant.
Coding change: c.7531T>A on transcript NM_000059.4 (MANE Select); coding-DNA position 7531, T replaced by A.
Protein change: p.Tyr2511Asn; replaces tyrosine 2511 with asparagine.
Molecular consequence: missense variant.
Genome position (GRCh38, 1-based): chr13:32,356,523, T>A. VCF-style: chr13-32356523-T-A. GRCh37 (hg19) VCF-style: chr13-32930660-T-A.
Other names: c.7435T>A, p.Tyr2479Asn (NM_001406719.1); c.7531T>A, p.Tyr2511Asn (NM_001406720.1); c.2599T>A, p.Tyr867Asn (NM_001406721.1); c.1114T>A, p.Tyr372Asn (NM_001406722.1); short protein forms Y372N, Y2479N, Y867N, Y2511N.
Identifiers: ClinVar variation 1759388 (VCV001759388.2), dbSNP rs2137562655, ClinGen allele CA387743584.

ClinVar aggregate classification (germline): Uncertain significance (1 of 4 stars; one submission).

Conditions:
Hereditary cancer-predisposing syndrome. Also called: Neoplastic Syndromes, Hereditary; Tumor predisposition; Hereditary Cancer Syndrome; Hereditary neoplastic syndrome. Identifiers: Orphanet 140162, MedGen C0027672, MeSH D009386, MONDO:0015356.

Submission:

Ambry Genetics
Classification: Uncertain significance for Hereditary cancer-predisposing syndrome. Last evaluated: 2022-02-12. Review status: criteria provided, single submitter. Criteria: Ambry Variant Classification Scheme 2023. Collection method: clinical testing. Allele origin: germline.
Comment: The p.Y2511N variant (also known as c.7531T>A), located in coding exon 14 of the BRCA2 gene, results from a T to A substitution at nucleotide position 7531. The tyrosine at codon 2511 is replaced by asparagine, an amino acid with dissimilar properties. This amino acid position is conserved. In addition, the in silico prediction for this alteration is inconclusive. Since supporting evidence is limited at this time, the clinical significance of this alteration remains unclear.